The following is an entry in ClinVar:

ClinVar aggregate classification (germline): Conflicting classifications of pathogenicity. Review status: criteria provided, conflicting classifications (1 of 4 stars). 2 submissions from 2 submitters: Uncertain significance (1); Likely benign (1). Last evaluated 2025-09-24.

Conditions:
RYR1-related disorder. Also called: RYR1-related disorders; RYR1-related condition. Identifiers: MedGen CN239331.
Malignant hyperthermia, susceptibility to, 1 (MHS1). Also called: RYR1-Related Malignant Hyperthermia Susceptibility; Malignant hyperthermia suceptibility 1; Anesthesia related hyperthermia; Malignant hyperpyrexia; Fulminating hyperpyrexia; Pharmacogenic myopathy. Identifiers: Orphanet 423, MedGen C2930980, MONDO:0007783, OMIM 145600.

Allele frequency attached by ClinVar (database versions not stated): gnomAD 0.00001; gnomAD exomes 0.00001.
gnomAD v4.1: 16 of 1,613,976 alleles (0.00099%); highest among the groups gnomAD compares: East Asian, 0.0067%; no homozygotes.

Submissions (2):

Labcorp Genetics (formerly Invitae), Labcorp
Classification: Likely benign for RYR1-related disorder. Last evaluated: 2025-09-24. Review status: criteria provided, single submitter. Criteria: Invitae Variant Classification Sherloc (09022015). Collection method: clinical testing. Allele origin: germline.

Color Diagnostics, LLC DBA Color Health
Classification: Uncertain significance for Malignant hyperthermia, susceptibility to, 1. Last evaluated: 2025-06-17. Review status: criteria provided, single submitter. Criteria: ACMG Guidelines, 2015. Collection method: clinical testing. Allele origin: germline.
Comment: This variant is located in the RYR1 protein. To our knowledge, functional studies have not been reported for this variant. This variant has not been reported in individuals affected with RYR1-related disorders in the literature. This variant has been identified in 2/251452 chromosomes in the general population by the Genome Aggregation Database (gnomAD). The available evidence is insufficient to determine the role of this variant in disease conclusively. Therefore, this variant is classified as a Variant of Uncertain Significance.

NM_000540.3(RYR1):c.8136C>T (p.Pro2712=)

Gene: RYR1 (ryanodine receptor 1; plus strand). Cytogenetic location: 19q13.2.
Variant type: single nucleotide variant.
Coding change: c.8136C>T on transcript NM_000540.3 (MANE Select); coding-DNA position 8136, C replaced by T.
Protein change: p.Pro2712=; no amino-acid change (proline 2712 retained).
Molecular consequence: synonymous variant.
Genome position (GRCh38, 1-based): chr19:38,504,816, C>T. VCF-style: chr19-38504816-C-T. GRCh37 (hg19) VCF-style: chr19-38995456-C-T.
Other names: c.8136C>T, p.Pro2712= (NM_001042723.2).
Identifiers: ClinVar variation 744106 (VCV000744106.11), dbSNP rs879058545, ClinGen allele CA308116400.